The following is an entry in ClinVar:

ClinVar aggregate classification (germline): Benign. Review status: criteria provided, multiple submitters, no conflicts (2 of 4 stars). 2 submissions from 2 submitters: Benign (2). Last evaluated 2016-01-26.

Allele frequency attached by ClinVar (database versions not stated): gnomAD 0.41984 and 0.43620; TOPMed 0.45137; gnomAD exomes 0.52239; 1000 Genomes Project 30x 0.57027; 1000 Genomes Project 0.58287.
gnomAD v4.1: 66,434 of 152,058 alleles (44%); highest among the groups gnomAD compares: East Asian, 93%; 15,821 homozygotes.

Submissions (2):

GeneDx
Classification: Benign. Last evaluated: 2016-01-26. Review status: criteria provided, single submitter. Criteria: GeneDx Variant Classification (06012015). Collection method: clinical testing. Allele origin: germline. Affected: yes.
Comment: This variant is considered likely benign or benign based on one or more of the following criteria: it is a conservative change, it occurs at a poorly conserved position in the protein, it is predicted to be benign by multiple in silico algorithms, and/or has population frequency not consistent with disease.

Breakthrough Genomics
Classification: Benign. Review status: criteria provided, single submitter. Criteria: ACMG Guidelines, 2015. Collection method: not provided. Allele origin: germline. Inheritance: Autosomal recessive inheritance. Affected: yes.

NM_004393.6(DAG1):c.-136G>A

Genes: DAG1 (dystroglycan 1; plus strand), LOC129936758 (ATAC-STARR-seq lymphoblastoid silent region 14366; plus strand). Cytogenetic location: 3p21.31.
Variant type: single nucleotide variant.
Coding change: c.-136G>A on transcript NM_004393.6 (MANE Select); 136 bases upstream of the start codon, G replaced by A.
Molecular consequence: 5 prime UTR variant. On other transcripts: intron variant (2).
Genome position (GRCh38, 1-based): chr3:49,470,414, G>A. VCF-style: chr3-49470414-G-A. GRCh37 (hg19) VCF-style: chr3-49507847-G-A.
Other names: c.-497G>A (NM_001165928.4); c.-440G>A (NM_001177634.3); c.-418G>A (NM_001177636.3); c.-256G>A (NM_001177637.3); c.-287G>A (NM_001177638.3); c.-193G>A (NM_001177640.3); c.-283G>A (NM_001177641.3); c.-188G>A (NM_001177642.3); and 3 more.
Identifiers: ClinVar variation 380775 (VCV000380775.3), dbSNP rs4855839, ClinGen allele CA11360356.